The following is an entry in ClinVar:

NM_004655.4(AXIN2):c.2032C>T (p.Leu678=)

Gene: AXIN2 (axin 2; minus strand). Cytogenetic location: 17q24.1.
Variant type: single nucleotide variant.
Coding change: c.2032C>T on transcript NM_004655.4 (MANE Select); coding-DNA position 2032, C replaced by T.
Protein change: p.Leu678=; no amino-acid change (leucine 678 retained).
Molecular consequence: synonymous variant.
Genome position (GRCh38, 1-based): chr17:65,536,429, G>A on the plus strand (C>T on the coding strand, the complement: AXIN2 is on the minus strand). VCF-style: chr17-65536429-G-A. GRCh37 (hg19) VCF-style: chr17-63532547-G-A.
Other names: c.1837C>T, p.Leu613= (NM_001363813.1).
Identifiers: ClinVar variation 1573135 (VCV001573135.11), dbSNP rs2043917337, ClinGen allele CA501690941.

ClinVar aggregate classification (germline): Benign/Likely benign. Review status: criteria provided, multiple submitters, no conflicts (2 of 4 stars). 3 submissions from 3 submitters: Benign (1); Likely benign (2). Last evaluated 2024-07-09.

Conditions:
Oligodontia-cancer predisposition syndrome. Also called: TOOTH AGENESIS-COLORECTAL CANCER SYNDROME. Identifiers: Orphanet 300576, MedGen C1837750, MONDO:0012075, OMIM 608615. Disease mechanism: loss of function.
Hereditary cancer-predisposing syndrome. Also called: Hereditary Cancer Syndrome; Tumor predisposition; Neoplastic Syndromes, Hereditary; Hereditary neoplastic syndrome. Identifiers: Orphanet 140162, MedGen C0027672, MeSH D009386, MONDO:0015356.

Allele frequency attached by ClinVar (database versions not stated): gnomAD exomes below 0.00001; TOPMed below 0.00001.
gnomAD v4.1: 1 of 1,613,790 alleles (0.000062%); highest among the groups gnomAD compares: Non-Finnish European, 0.000085%; no homozygotes.

Submissions (3):

Myriad Genetics, Inc.
Classification: Benign for Oligodontia-cancer predisposition syndrome. Last evaluated: 2024-07-09. Review status: criteria provided, single submitter. Criteria: Myriad Autosomal Dominant, Autosomal Recessive and X-Linked Classification Criteria (2023). Collection method: clinical testing. Allele origin: unknown.
Comment: This variant is considered benign. This variant is a silent/synonymous amino acid change and it is not expected to impact splicing.

Labcorp Genetics (formerly Invitae), Labcorp
Classification: Likely benign for Oligodontia-cancer predisposition syndrome. Last evaluated: 2023-07-25. Review status: criteria provided, single submitter. Criteria: Invitae Variant Classification Sherloc (09022015). Collection method: clinical testing. Allele origin: germline.

Ambry Genetics
Classification: Likely benign for Hereditary cancer-predisposing syndrome. Last evaluated: 2021-03-08. Review status: criteria provided, single submitter. Criteria: Ambry Variant Classification Scheme 2023. Collection method: clinical testing. Allele origin: germline.